The following is an entry in ClinVar:

ClinVar aggregate classification (germline): Uncertain significance (1 of 4 stars; one submission).

gnomAD v4.1: 1 of 1,613,278 alleles (0.000062%); highest among the groups gnomAD compares: Non-Finnish European, 0.000085%; no homozygotes.

Submission:

Labcorp Genetics (formerly Invitae), Labcorp
Classification: Uncertain significance. Last evaluated: 2025-04-10. Review status: criteria provided, single submitter. Criteria: Invitae Variant Classification Sherloc (09022015). Collection method: clinical testing. Allele origin: germline.
Comment: This sequence change replaces lysine, which is basic and polar, with arginine, which is basic and polar, at codon 3006 of the HMCN1 protein (p.Lys3006Arg). This variant is present in population databases (rs779065742, gnomAD 0.0009%). This variant has not been reported in the literature in individuals affected with HMCN1-related conditions. ClinVar contains an entry for this variant (Variation ID: 3713807). An algorithm developed to predict the effect of missense changes on protein structure and function (PolyPhen-2) suggests that this variant is likely to be disruptive. In summary, the available evidence is currently insufficient to determine the role of this variant in disease. Therefore, it has been classified as a Variant of Uncertain Significance.

NM_031935.3(HMCN1):c.9017A>G (p.Lys3006Arg)

Gene: HMCN1 (hemicentin 1; plus strand). Cytogenetic location: 1q31.1.
Variant type: single nucleotide variant.
Coding change: c.9017A>G on transcript NM_031935.3 (MANE Select); coding-DNA position 9017, A replaced by G.
Protein change: p.Lys3006Arg; replaces lysine 3006 with arginine.
Molecular consequence: missense variant.
Genome position (GRCh38, 1-based): chr1:186,086,378, A>G. VCF-style: chr1-186086378-A-G. GRCh37 (hg19) VCF-style: chr1-186055510-A-G.
Other names: short protein forms K3006R.
Identifiers: ClinVar variation 3713807 (VCV003713807.2).
Genomic context (GRCh38, chr1:186,086,378, plus strand): 5'-GTGAGGTCTCTGGTTTTCCACCTCCTGACCTCAGCTGGCTCAAGAATGAACAGCCCATCA[A>G]ACTGAACACAAATACTCTCATTGTGCCTGGTAAGGAACTTCTTATTATAAAGCAGGCAAA-3'
Protein context (NP_114141.2, residues 2996-3016): LSWLKNEQPI[Lys3006Arg]LNTNTLIVPG